The following is an entry in ClinVar:

NM_199420.4(POLQ):c.2594C>T (p.Thr865Ile)

Gene: POLQ (DNA polymerase theta; minus strand). Cytogenetic location: 3q13.33.
Variant type: single nucleotide variant.
Coding change: c.2594C>T on transcript NM_199420.4 (MANE Select); coding-DNA position 2594, C replaced by T.
Protein change: p.Thr865Ile; replaces threonine 865 with isoleucine.
Molecular consequence: missense variant.
Genome position (GRCh38, 1-based): chr3:121,490,337, G>A on the plus strand (C>T on the coding strand, the complement: POLQ is on the minus strand). VCF-style: chr3-121490337-G-A. GRCh37 (hg19) VCF-style: chr3-121209184-G-A.
Other names: short protein forms T865I.
Identifiers: ClinVar variation 3229890 (VCV003229890.1), dbSNP rs2546788490, ClinGen allele CA354105695.

ClinVar aggregate classification (germline): Uncertain significance (1 of 4 stars; one submission).

Submission:

Ambry Genetics
Classification: Uncertain significance. Last evaluated: 2023-10-12. Review status: criteria provided, single submitter. Criteria: Ambry Variant Classification Scheme 2023. Collection method: clinical testing. Allele origin: germline.
Comment: The p.T865I variant (also known as c.2594C>T), located in coding exon 16 of the POLQ gene, results from a C to T substitution at nucleotide position 2594. The threonine at codon 865 is replaced by isoleucine, an amino acid with similar properties. This amino acid position is conserved. In addition, this alteration is predicted to be tolerated by in silico analysis. Since supporting evidence is limited at this time, the clinical significance of this alteration remains unclear.